The following is an entry in ClinVar:

NM_000535.7(PMS2):c.1414A>G (p.Lys472Glu)

Gene: PMS2 (PMS1 homolog 2, mismatch repair system component; minus strand). Cytogenetic location: 7p22.1.
Variant type: single nucleotide variant.
Coding change: c.1414A>G on transcript NM_000535.7 (MANE Select); coding-DNA position 1414, A replaced by G.
Protein change: p.Lys472Glu; replaces lysine 472 with glutamic acid.
Molecular consequence: missense variant. On other transcripts: non-coding transcript variant (1), intron variant (1).
Genome position (GRCh38, 1-based): chr7:5,987,351, T>C on the plus strand (A>G on the coding strand, the complement: PMS2 is on the minus strand). VCF-style: chr7-5987351-T-C. GRCh37 (hg19) VCF-style: chr7-6026982-T-C.
Other names: c.1009A>G, p.Lys337Glu (NM_001322003.2, NM_001322004.2, NM_001322005.2 and 16 more transcripts); c.1258A>G, p.Lys420Glu (NM_001322006.2, NM_001406870.1); c.1096A>G, p.Lys366Glu (NM_001322007.2, NM_001322008.2, NM_001406883.1 and 2 more transcripts); c.853A>G, p.Lys285Glu (NM_001322010.2, NM_001406906.1, NM_001406907.1); c.481A>G, p.Lys161Glu (NM_001322011.2, NM_001322012.2); c.841A>G, p.Lys281Glu (NM_001322013.2, NM_001406909.1); c.1414A>G, p.Lys472Glu (NM_001322014.2, NM_001406871.1, NM_001406872.1); c.1105A>G, p.Lys369Glu (NM_001322015.2, NM_001406875.1, NM_001406877.1 and 5 more transcripts); and 13 more; short protein forms K281E, K366E, K369E, K406E, K534E, K350E, K416E, K436E.
Identifiers: ClinVar variation 3664591 (VCV003664591.2).

ClinVar aggregate classification (germline): Uncertain significance (1 of 4 stars; one submission).

Conditions:
Hereditary nonpolyposis colorectal neoplasms. Identifiers: MedGen C0009405, MeSH D003123.

Submission:

Labcorp Genetics (formerly Invitae), Labcorp
Classification: Uncertain significance for Hereditary nonpolyposis colorectal neoplasms. Last evaluated: 2024-12-18. Review status: criteria provided, single submitter. Criteria: Invitae Variant Classification Sherloc (09022015). Collection method: clinical testing. Allele origin: germline.
Comment: This sequence change replaces lysine, which is basic and polar, with glutamic acid, which is acidic and polar, at codon 472 of the PMS2 protein (p.Lys472Glu). This variant is not present in population databases (gnomAD no frequency). This variant has not been reported in the literature in individuals affected with PMS2-related conditions. Invitae Evidence Modeling incorporating data from in vitro experimental studies (internal data) indicates that this missense variant is not expected to disrupt PMS2 function with a negative predictive value of 95%. In summary, the available evidence is currently insufficient to determine the role of this variant in disease. Therefore, it has been classified as a Variant of Uncertain Significance.